The following is an entry in ClinVar:

ClinVar aggregate classification (germline): Uncertain significance. Review status: criteria provided, multiple submitters, no conflicts (2 of 4 stars). 2 submissions from 2 submitters: Uncertain significance (2). Last evaluated 2025-12-09.

Conditions:
Inborn genetic diseases. Identifiers: MedGen C0950123, MeSH D030342.

Submissions (2):

Ambry Genetics
Classification: Uncertain significance for Inborn genetic diseases. Last evaluated: 2025-12-09. Review status: criteria provided, single submitter. Criteria: Ambry Variant Classification Scheme 2023. Collection method: clinical testing. Allele origin: germline.

GeneDx
Classification: Uncertain significance. Last evaluated: 2025-04-28. Review status: criteria provided, single submitter. Criteria: GeneDx Variant Classification Process June 2021. Collection method: clinical testing. Allele origin: germline. Affected: yes.
Comment: Not observed at significant frequency in large population cohorts (gnomAD); In silico analysis indicates that this missense variant does not alter protein structure/function; Has not been previously published as pathogenic or benign to our knowledge

NM_006494.4(ERF):c.1384G>C (p.Ala462Pro)

Gene: ERF (ETS2 repressor factor; minus strand). Cytogenetic location: 19q13.2.
Variant type: single nucleotide variant.
Coding change: c.1384G>C on transcript NM_006494.4 (MANE Select); coding-DNA position 1384, G replaced by C.
Protein change: p.Ala462Pro; replaces alanine 462 with proline.
Molecular consequence: missense variant.
Genome position (GRCh38, 1-based): chr19:42,248,728, C>G on the plus strand (G>C on the coding strand, the complement: ERF is on the minus strand). VCF-style: chr19-42248728-C-G. GRCh37 (hg19) VCF-style: chr19-42752880-C-G.
Other names: c.1159G>C, p.Ala387Pro (NM_001301035.2, NM_001308402.2, NM_001312656.2 and 1 more transcripts); c.577G>C, p.Ala193Pro (NM_001440421.1); short protein forms A193P, A387P, A462P.
Identifiers: ClinVar variation 4527542 (VCV004527542.2).
Genomic context (GRCh38, chr19:42,248,728, plus strand): 5'-GCTTGAGGGGCATGCACTGGGATGCCCCGGGTGCCTCGCCGGGCTCAGGCTTAGGGGGTG[C>G]AGGTGGGGCACGGGGCGTCTTGAACACCTCCCCGTCTTCCTCATCCTCATCACTGATGTC-3'
Protein context (NP_006485.2, residues 452-472): EVFKTPRAPP[Ala462Pro]PPKPEPGEAP